The following is an entry in ClinVar:

NM_022089.4(ATP13A2):c.1825G>T (p.Glu609Ter)

Gene: ATP13A2 (ATPase cation transporting 13A2; minus strand). Cytogenetic location: 1p36.13.
Variant type: single nucleotide variant.
Coding change: c.1825G>T on transcript NM_022089.4 (MANE Select); coding-DNA position 1825, G replaced by T.
Protein change: p.Glu609Ter; replaces glutamic acid 609 with a stop codon.
Molecular consequence: nonsense.
Genome position (GRCh38, 1-based): chr1:16,992,506, C>A on the plus strand (G>T on the coding strand, the complement: ATP13A2 is on the minus strand). VCF-style: chr1-16992506-C-A. GRCh37 (hg19) VCF-style: chr1-17319001-C-A.
Other names: c.1810G>T, p.Glu604Ter (NM_001141973.3, NM_001141974.3); short protein forms E604*, E609*.
Identifiers: ClinVar variation 1999337 (VCV001999337.4), dbSNP rs2523315114, ClinGen allele CA338246737.

ClinVar aggregate classification (germline): Pathogenic (1 of 4 stars; one submission).

Conditions:
Autosomal recessive spastic paraplegia type 78. Identifiers: Orphanet 513436, MedGen C5567893, MONDO:0014975, OMIM 617225.
Kufor-Rakeb syndrome (KRS). Also called: PARKINSON DISEASE 9, AUTOSOMAL RECESSIVE, JUVENILE-ONSET. Identifiers: Orphanet 306674, Orphanet 314632, MedGen C1847640, MONDO:0011706, OMIM 606693.

Allele frequency attached by ClinVar (database versions not stated): gnomAD exomes below 0.00001.
gnomAD v4.1: 1 of 1,614,160 alleles (0.000062%); highest among the groups gnomAD compares: Non-Finnish European, 0.000085%; no homozygotes.

Submission:

Labcorp Genetics (formerly Invitae), Labcorp
Classification: Pathogenic for Kufor-Rakeb syndrome; Autosomal recessive spastic paraplegia type 78. Last evaluated: 2022-12-28. Review status: criteria provided, single submitter. Criteria: Invitae Variant Classification Sherloc (09022015). Collection method: clinical testing. Allele origin: germline.
Comment: For these reasons, this variant has been classified as Pathogenic. This variant has not been reported in the literature in individuals affected with ATP13A2-related conditions. This sequence change creates a premature translational stop signal (p.Glu609*) in the ATP13A2 gene. It is expected to result in an absent or disrupted protein product. Loss-of-function variants in ATP13A2 are known to be pathogenic (PMID: 16964263, 21696388). This variant is not present in population databases (gnomAD no frequency).

Literature cited by the submitters: PubMed 16964263; PubMed 21696388.